The following is an entry in ClinVar:

NM_003072.5(SMARCA4):c.1433G>A (p.Ser478Asn)

Gene: SMARCA4 (SWI/SNF related BAF chromatin remodeling complex subunit ATPase 4; plus strand). Cytogenetic location: 19p13.2.
Variant type: single nucleotide variant.
Coding change: c.1433G>A on transcript NM_003072.5 (MANE Select); coding-DNA position 1433, G replaced by A.
Protein change: p.Ser478Asn; replaces serine 478 with asparagine.
Molecular consequence: missense variant. On other transcripts: non-coding transcript variant (1).
Genome position (GRCh38, 1-based): chr19:10,994,841, G>A. VCF-style: chr19-10994841-G-A. GRCh37 (hg19) VCF-style: chr19-11105517-G-A.
Other names: c.1433G>A, p.Ser478Asn (NM_001128844.3, NM_001128845.2, NM_001128846.2 and 6 more transcripts); short protein forms S478N.
Identifiers: ClinVar variation 3958447 (VCV003958447.1).
Genomic context (GRCh38, chr19:10,994,841, plus strand): 5'-CACCATGCTGCTGAAGGGTCAGCCTTCTCTTTTGTGCTTTCCTGCAGGAATACCTCAATA[G>A]CATTCTCCAGCATGCCAAGGATTTCAAGGAATATCACAGATCCGTCACAGGCAAAATCCA-3'
Protein context (NP_003063.2, residues 468-488): RRQKHQEYLN[Ser478Asn]ILQHAKDFKE

ClinVar aggregate classification (germline): Uncertain significance (1 of 4 stars; one submission).

Conditions:
Hereditary cancer-predisposing syndrome. Also called: Tumor predisposition; Hereditary neoplastic syndrome; Hereditary Cancer Syndrome; Neoplastic Syndromes, Hereditary. Identifiers: Orphanet 140162, MedGen C0027672, MeSH D009386, MONDO:0015356.

Submission:

Ambry Genetics
Classification: Uncertain significance for Hereditary cancer-predisposing syndrome. Last evaluated: 2025-04-25. Review status: criteria provided, single submitter. Criteria: Ambry Variant Classification Scheme 2023. Collection method: clinical testing. Allele origin: germline.
Comment: The p.S478N variant (also known as c.1433G>A), located in coding exon 8 of the SMARCA4 gene, results from a G to A substitution at nucleotide position 1433. The serine at codon 478 is replaced by asparagine, an amino acid with highly similar properties. This amino acid position is conserved. In addition, this alteration is predicted to be tolerated by in silico analysis. Based on the available evidence, the clinical significance of this variant remains unclear.